The following is an entry in ClinVar:

NM_017780.4(CHD7):c.8672A>G (p.Asn2891Ser)

Gene: CHD7 (chromodomain helicase DNA binding protein 7; plus strand). Cytogenetic location: 8q12.2.
Variant type: single nucleotide variant.
Coding change: c.8672A>G on transcript NM_017780.4 (MANE Select); coding-DNA position 8672, A replaced by G.
Protein change: p.Asn2891Ser; replaces asparagine 2891 with serine.
Molecular consequence: missense variant.
Genome position (GRCh38, 1-based): chr8:60,865,611, A>G. VCF-style: chr8-60865611-A-G. GRCh37 (hg19) VCF-style: chr8-61778170-A-G.
Other names: c.8672A>G (LRG_176t1); c.2525A>G, p.Asn842Ser (NM_001316690.1); short protein forms N2891S, N842S.
Identifiers: ClinVar variation 197042 (VCV000197042.49), dbSNP rs202039728, ClinGen allele CA244952.

ClinVar aggregate classification (germline): Conflicting classifications of pathogenicity. Review status: criteria provided, conflicting classifications (1 of 4 stars). 12 submissions from 12 submitters: Uncertain significance (2); Benign (1); Likely benign (8). 1 of the submissions does not count toward it. Last evaluated 2026-01-23.

Conditions:
CHD7-related disorder. Also called: CHD7-related condition.
Inborn genetic diseases. Identifiers: MedGen C0950123, MeSH D030342.
CHARGE syndrome (CHARGE). Also called: Coloboma, heart anomaly, choanal atresia, retardation, genital and ear anomalies; CHARGE association; Hall-Hittner syndrome; CHARGE ASSOCIATION--COLOBOMA, HEART ANOMALY, CHOANAL ATRESIA, RETARDATION, GENITAL AND EAR ANOMALIES; Hittner Hirsch Kreh syndrome. Identifiers: Orphanet 138, MedGen C0265354, MONDO:0008965.
Hypogonadotropic hypogonadism 5 with or without anosmia (KAL5). Also called: HYPOGONADOTROPIC HYPOGONADISM 5 WITH ANOSMIA; HYPOGONADOTROPHIC HYPOGONADISM 5 WITHOUT ANOSMIA; CHD7-Related GnRH Deficiency (Kallmann Syndrome 5). Identifiers: Orphanet 478, MedGen C3552553, MONDO:0012880, OMIM 612370. Disease mechanism: loss of function.

Allele frequency attached by ClinVar (database versions not stated): 1000 Genomes Project 0.00020; ESP Exome Variant Server 0.00024; gnomAD 0.00029; 1000 Genomes Project 30x 0.00031; TOPMed 0.00035.
gnomAD v4.1: 468 of 1,613,530 alleles (0.029%); highest among the groups gnomAD compares: Admixed American, 0.062%; 1 homozygote.

Submissions (12):

Labcorp Genetics (formerly Invitae), Labcorp
Classification: Likely benign for CHARGE syndrome. Last evaluated: 2026-01-23. Review status: criteria provided, single submitter. Criteria: Invitae Variant Classification Sherloc (09022015). Collection method: clinical testing. Allele origin: germline.

CeGaT Center for Human Genetics Tuebingen
Classification: Likely benign. Last evaluated: 2025-10-01. Review status: criteria provided, single submitter. Criteria: CeGaT Center For Human Genetics Tuebingen Variant Classification Criteria Version 2. Collection method: clinical testing. Allele origin: germline. Affected: yes. Observed: 3 variant alleles.
Comment: CHD7: BS2

Women's Health and Genetics/Laboratory Corporation of America, LabCorp
Classification: Uncertain significance. Last evaluated: 2025-09-05. Review status: criteria provided, single submitter. Criteria: LabCorp Variant Classification Summary - May 2015. Collection method: clinical testing. Allele origin: germline.
Comment: Variant summary: CHD7 c.8672A>G (p.Asn2891Ser) results in a conservative amino acid change in the encoded protein sequence. Algorithms developed to predict the effect of missense changes on protein structure and function are either unavailable or do not agree on the potential impact of this missense change. The variant allele was found at a frequency of 0.00023 in 249090 control chromosomes (gnomAD). This frequency is not significantly higher than estimated for disease-causing variants in CHD7, allowing no conclusion about variant significance. c.8672A>G has been observed in individuals affected with Congenital hypogonadotropic hypogonadism (Federici_2022). These reports do not provide unequivocal conclusions about association of the variant with Hypogonadotropic Hypogonadism 5 With Or Without Anosmia. To our knowledge, no experimental evidence demonstrating an impact on protein function has been reported. The following publications have been ascertained in the context of this evaluation (PMID: 33206719, 36531499). ClinVar contains an entry for this variant (Variation ID: 197042). Based on the evidence outlined above, the variant was classified as uncertain significance.

Laboratory of Genetics, Children's Clinical University Hospital Latvia
Classification: Likely benign. Last evaluated: 2025-02-16. Review status: criteria provided, single submitter. Criteria: ACMG Guidelines, 2015. Collection method: clinical testing. Allele origin: germline. Affected: yes.

Blueprint Genetics
Classification: Likely benign. Last evaluated: 2024-11-19. Review status: criteria provided, single submitter. Criteria: ACMG Guidelines, 2015. Collection method: clinical testing. Allele origin: germline.

Ambry Genetics
Classification: Likely benign for Inborn genetic diseases. Last evaluated: 2021-09-28. Review status: criteria provided, single submitter. Criteria: Ambry Variant Classification Scheme 2023. Collection method: clinical testing. Allele origin: germline.

GeneDx
Classification: Benign. Last evaluated: 2019-07-22. Review status: criteria provided, single submitter. Criteria: GeneDx Variant Classification Process June 2021. Collection method: clinical testing. Allele origin: germline. Affected: yes.
Comment: This variant is associated with the following publications: (PMID: 33206719)

Laboratory for Molecular Medicine, Mass General Brigham Personalized Medicine
Classification: Likely benign. Last evaluated: 2019-01-04. Review status: criteria provided, single submitter. Criteria: LMM Criteria. Collection method: clinical testing. Allele origin: germline. Observed: 1 variant allele.
Comment: The p.Asn2891Ser variant in CHD7 is classified as likely benign because it has b een identified in 0.05% (18/35364) of Latino chromosomes by gnomAD. ACMG/AMP criteria applied: BS1.

Eurofins Ntd Llc (ga)
Classification: Likely benign. Last evaluated: 2018-02-27. Review status: criteria provided, single submitter. Criteria: EGL ClinVar v180209 classification definitions. Collection method: clinical testing. Allele origin: germline. Observed: 3 variant alleles, 3 heterozygotes.

Illumina Laboratory Services, Illumina
Classification: Uncertain significance for Kallmann Syndrome 5. Last evaluated: 2018-01-12. Review status: criteria provided, single submitter. Criteria: ICSL Variant Classification Criteria 13 December 2019. Collection method: clinical testing. Allele origin: germline.

Center for Genomics, Ann and Robert H. Lurie Children's Hospital of Chicago
Classification: Likely benign for Hypogonadotropic hypogonadism 5 with or without anosmia; CHD7-related CHARGE syndrome. Review status: criteria provided, single submitter. Criteria: ACMG Guidelines, 2015. Collection method: clinical testing. Allele origin: germline.
Comment: This variant has not been reported in the literature but is present in the Genome Aggregation Database (Highest reported MAF 0.07% [11/15278]). This variant is present in ClinVar, with several labs classifying this variant as Likely Benign or Benign (Variation ID: 197042). Evolutionary conservation suggests that this variant may impact the protein; computational prediction tools suggest that this variant may not impact the protein. In summary, data on this variant suggests that this variant does not cause disease but requires further evidence. Therefore, this variant is classified as likely benign.

PreventionGenetics, part of Exact Sciences
Classification: Likely benign for CHD7-related condition. Last evaluated: 2022-02-11. Review status: no assertion criteria provided. Collection method: clinical testing. Allele origin: germline. Not counted in ClinVar's aggregate classification.
Comment: This variant is classified as likely benign based on ACMG/AMP sequence variant interpretation guidelines (Richards et al. 2015 PMID: 25741868, with internal and published modifications).

Literature cited by the submitters: PubMed 36531499 (cited by Women's Health and Genetics/Laboratory Corporation of America, LabCorp); PubMed 33206719 (cited by Women's Health and Genetics/Laboratory Corporation of America, LabCorp).